The following is an entry in ClinVar:

ClinVar aggregate classification (germline): Uncertain significance (1 of 4 stars; one submission).

Submission:

Labcorp Genetics (formerly Invitae), Labcorp
Classification: Uncertain significance. Last evaluated: 2025-12-14. Review status: criteria provided, single submitter. Criteria: Invitae Variant Classification Sherloc (09022015). Collection method: clinical testing. Allele origin: germline.
Comment: This sequence change replaces aspartic acid, which is acidic and polar, with asparagine, which is neutral and polar, at codon 278 of the CLCNKB protein (p.Asp278Asn). This variant is present in population databases (rs746456613, gnomAD 0.004%). This variant has not been reported in the literature in individuals affected with CLCNKB-related conditions. Invitae Evidence Modeling of protein sequence and biophysical properties (such as structural, functional, and spatial information, amino acid conservation, physicochemical variation, residue mobility, and thermodynamic stability) indicates that this missense variant is not expected to disrupt CLCNKB protein function with a negative predictive value of 80%. Experimental studies have shown that this missense change affects CLCNKB function (PMID: 20805576). In summary, the available evidence is currently insufficient to determine the role of this variant in disease. Therefore, it has been classified as a Variant of Uncertain Significance.

Literature cited by the submitters: PubMed 20805576.

NM_000085.5(CLCNKB):c.832G>A (p.Asp278Asn)

Genes: CLCNKB (chloride voltage-gated channel Kb; plus strand), LOC106501713 (CLCNKB recombination region; plus strand). Cytogenetic location: 1p36.13.
Variant type: single nucleotide variant.
Coding change: c.832G>A on transcript NM_000085.5 (MANE Select); coding-DNA position 832, G replaced by A.
Protein change: p.Asp278Asn; replaces aspartic acid 278 with asparagine.
Molecular consequence: missense variant.
Genome position (GRCh38, 1-based): chr1:16,049,668, G>A. VCF-style: chr1-16049668-G-A. GRCh37 (hg19) VCF-style: chr1-16376163-G-A.
Other names: c.325G>A, p.Asp109Asn (NM_001165945.2); short protein forms D109N, D278N.
Identifiers: ClinVar variation 4752508 (VCV004752508.1).
Genomic context (GRCh38, chr1:16,049,668, plus strand): 5'-CCTTCCCCAGAGACCATCACCTCCCTCTACAAGACCAGTTTCCGGGTGGACGTTCCCTTC[G>A]ACCTGCCTGAGATCTTCTTTTTTGTGGCGCTGGGGTGAGTGGGTGCCTTGGGCCCCTGAG-3'
Protein context (NP_000076.2, residues 268-288): KTSFRVDVPF[Asp278Asn]LPEIFFFVAL